The following is an entry in ClinVar:

ClinVar aggregate classification (germline): Uncertain significance. Review status: criteria provided, multiple submitters, no conflicts (2 of 4 stars). 2 submissions from 2 submitters: Uncertain significance (2). Last evaluated 2025-05-16.

Conditions:
Inborn genetic diseases. Identifiers: MedGen C0950123, MeSH D030342.

Allele frequency attached by ClinVar (database versions not stated): 1000 Genomes Project 0.00020; TOPMed 0.00003; 1000 Genomes Project 30x 0.00016; gnomAD 0.00006; ExAC 0.00003.
gnomAD v4.1: 71 of 1,612,902 alleles (0.0044%); highest among the groups gnomAD compares: Admixed American, 0.01%; no homozygotes.

Submissions (2):

GeneDx
Classification: Uncertain significance. Last evaluated: 2025-05-16. Review status: criteria provided, single submitter. Criteria: GeneDx Variant Classification Process June 2021. Collection method: clinical testing. Allele origin: germline. Affected: yes.
Comment: In silico analysis supports that this missense variant has a deleterious effect on protein structure/function; Has not been previously published as pathogenic or benign to our knowledge

Ambry Genetics
Classification: Uncertain significance for Inborn genetic diseases. Last evaluated: 2023-12-14. Review status: criteria provided, single submitter. Criteria: Ambry Variant Classification Scheme 2023. Collection method: clinical testing. Allele origin: germline.

NM_001163809.2(WDR81):c.5714C>T (p.Thr1905Met)

Gene: WDR81 (WD repeat domain 81; plus strand). Cytogenetic location: 17p13.3.
Variant type: single nucleotide variant.
Coding change: c.5714C>T on transcript NM_001163809.2 (MANE Select); coding-DNA position 5714, C replaced by T.
Protein change: p.Thr1905Met; replaces threonine 1905 with methionine.
Molecular consequence: missense variant.
Genome position (GRCh38, 1-based): chr17:1,737,573, C>T. VCF-style: chr17-1737573-C-T. GRCh37 (hg19) VCF-style: chr17-1640867-C-T.
Other names: c.2105C>T, p.Thr702Met (NM_001163673.2); c.2033C>T, p.Thr678Met (NM_001163811.2); c.2561C>T, p.Thr854Met (NM_152348.4); short protein forms T854M, T678M, T702M, T1905M.
Identifiers: ClinVar variation 3190290 (VCV003190290.2), dbSNP rs559913944, ClinGen allele CA8273958.